The following is an entry in ClinVar:

NM_001371727.1(GABRB2):c.1093A>G (p.Ile365Val)

Gene: GABRB2 (gamma-aminobutyric acid type A receptor subunit beta2; minus strand). Cytogenetic location: 5q34.
Variant type: single nucleotide variant.
Coding change: c.1093A>G on transcript NM_001371727.1 (MANE Select); coding-DNA position 1093, A replaced by G.
Protein change: p.Ile365Val; replaces isoleucine 365 with valine.
Molecular consequence: missense variant. On other transcripts: intron variant (1).
Genome position (GRCh38, 1-based): chr5:161,326,466, T>C on the plus strand (A>G on the coding strand, the complement: GABRB2 is on the minus strand). VCF-style: chr5-161326466-T-C. GRCh37 (hg19) VCF-style: chr5-160753473-T-C.
Other names: c.1093A>G, p.Ile365Val (NM_021911.3); c.1077+4417A>G (NM_000813.3); short protein forms I365V.
Identifiers: ClinVar variation 1425908 (VCV001425908.8), dbSNP rs776347142, ClinGen allele CA3543409.

ClinVar aggregate classification (germline): Uncertain significance (1 of 4 stars; one submission).

Conditions:
Intellectual disability. Also called: Intellectual functioning disability; Intellectual developmental disorder; intellectual disabilities. Identifiers: MedGen C3714756, MeSH D008607, MONDO:0001071, HP:0001249.

Allele frequency attached by ClinVar (database versions not stated): gnomAD exomes below 0.00001 and 0.00001; gnomAD 0.00001; TOPMed 0.00001; ExAC 0.00001.
gnomAD v4.1: 8 of 1,613,242 alleles (0.0005%); highest among the groups gnomAD compares: Non-Finnish European, 0.00068%; no homozygotes.

Submission:

Labcorp Genetics (formerly Invitae), Labcorp
Classification: Uncertain significance for Intellectual disability. Last evaluated: 2024-06-10. Review status: criteria provided, single submitter. Criteria: Invitae Variant Classification Sherloc (09022015). Collection method: clinical testing. Allele origin: germline.
Comment: This sequence change replaces isoleucine, which is neutral and non-polar, with valine, which is neutral and non-polar, at codon 365 of the GABRB2 protein (p.Ile365Val). This variant is present in population databases (rs776347142, gnomAD 0.0009%). This variant has not been reported in the literature in individuals affected with GABRB2-related conditions. ClinVar contains an entry for this variant (Variation ID: 1425908). Advanced modeling of protein sequence and biophysical properties (such as structural, functional, and spatial information, amino acid conservation, physicochemical variation, residue mobility, and thermodynamic stability) performed at Invitae indicates that this missense variant is not expected to disrupt GABRB2 protein function with a negative predictive value of 95%. In summary, the available evidence is currently insufficient to determine the role of this variant in disease. Therefore, it has been classified as a Variant of Uncertain Significance.